The following is an entry in ClinVar:

NM_004006.3(DMD):c.1841A>C (p.Lys614Thr)

Gene: DMD (dystrophin; minus strand). Cytogenetic location: Xp21.1.
Variant type: single nucleotide variant.
Coding change: c.1841A>C on transcript NM_004006.3 (MANE Select); coding-DNA position 1841, A replaced by C.
Protein change: p.Lys614Thr; replaces lysine 614 with threonine.
Molecular consequence: missense variant.
Genome position (GRCh38, 1-based): chrX:32,565,853, T>G on the plus strand (A>C on the coding strand, the complement: DMD is on the minus strand). VCF-style: chrX-32565853-T-G. GRCh37 (hg19) VCF-style: chrX-32583970-T-G.
Other names: c.1817A>C, p.Lys606Thr (NM_000109.4); c.1829A>C, p.Lys610Thr (NM_004009.3); c.1472A>C, p.Lys491Thr (NM_004010.3); short protein forms K614T, K610T, K606T, K491T.
Identifiers: ClinVar variation 565698 (VCV000565698.12), dbSNP rs771660778, ClinGen allele CA10379699.

ClinVar aggregate classification (germline): Conflicting classifications of pathogenicity. Review status: criteria provided, conflicting classifications (1 of 4 stars). 4 submissions from 4 submitters: Uncertain significance (1); Likely benign (3). Last evaluated 2026-09-01.

Conditions:
Cardiovascular phenotype. Identifiers: MedGen CN230736.
Duchenne muscular dystrophy (DMD). Also called: Duchenne Muscular Dystrophy (DMD); MUSCULAR DYSTROPHY, PSEUDOHYPERTROPHIC PROGRESSIVE, DUCHENNE TYPE. Identifiers: Orphanet 98896, MedGen C0013264, MONDO:0010679, OMIM 310200.
Dilated cardiomyopathy 3B (CMD3B). Also called: CMD3B: DMD-Related Dilated Cardiomyopathy; CARDIOMYOPATHY, DILATED, X-LINKED; DMD-Associated Dilated Cardiomyopathy. Identifiers: Orphanet 154, MedGen C3668940, MONDO:0010542, OMIM 302045.

Allele frequency attached by ClinVar (database versions not stated): gnomAD exomes below 0.00001; gnomAD 0.00001; TOPMed 0.00003.
gnomAD v4.1: 6 of 1,209,510 alleles (0.0005%); highest among the groups gnomAD compares: Admixed American, 0.013%; no homozygotes.

Submissions (4):

CeGaT Center for Human Genetics Tuebingen
Classification: Likely benign. Last evaluated: 2026-09-01. Review status: criteria provided, single submitter. Criteria: CeGaT Center For Human Genetics Tuebingen Variant Classification Criteria Version 2. Collection method: clinical testing. Allele origin: germline. Affected: yes. Observed: 1 variant allele.
Comment: DMD: BP4, BS2

Labcorp Genetics (formerly Invitae), Labcorp
Classification: Likely benign for Duchenne muscular dystrophy. Last evaluated: 2025-09-29. Review status: criteria provided, single submitter. Criteria: Invitae Variant Classification Sherloc (09022015). Collection method: clinical testing. Allele origin: germline.

Ambry Genetics
Classification: Likely benign for Cardiovascular phenotype. Last evaluated: 2023-11-15. Review status: criteria provided, single submitter. Criteria: Ambry Variant Classification Scheme 2023. Collection method: clinical testing. Allele origin: germline.

Illumina Laboratory Services, Illumina
Classification: Uncertain significance for Dilated cardiomyopathy 3B. Last evaluated: 2018-01-13. Review status: criteria provided, single submitter. Criteria: ICSL Variant Classification Criteria 13 December 2019. Collection method: clinical testing. Allele origin: germline.